The following is an entry in ClinVar:

ClinVar aggregate classification (germline): Likely benign. Review status: criteria provided, multiple submitters, no conflicts (2 of 4 stars). 3 submissions from 3 submitters: Likely benign (3). Last evaluated 2021-04-24.

Conditions:
Severe early-onset pulmonary alveolar proteinosis due to MARS deficiency. Also called: Interstitial lung and liver disease; PULMONARY ALVEOLAR PROTEINOSIS, REUNION ISLAND. Identifiers: Orphanet 440427, MedGen C4225400, MONDO:0014206, OMIM 615486.
Charcot-Marie-Tooth disease axonal type 2U. Also called: CHARCOT-MARIE-TOOTH NEUROPATHY, TYPE 2U; CHARCOT-MARIE-TOOTH DISEASE, AXONAL, AUTOSOMAL DOMINANT, TYPE 2U. Identifiers: Orphanet 397735, MedGen C4084821, MONDO:0014566, OMIM 616280.

Allele frequency attached by ClinVar (database versions not stated): gnomAD exomes below 0.00001.
gnomAD v4.1: 1 of 1,614,072 alleles (0.000062%); highest among the groups gnomAD compares: Non-Finnish European, 0.000085%; no homozygotes.

Submissions (3):

Labcorp Genetics (formerly Invitae), Labcorp
Classification: Likely benign for Charcot-Marie-Tooth disease axonal type 2U; Severe early-onset pulmonary alveolar proteinosis due to MARS deficiency. Last evaluated: 2021-04-24. Review status: criteria provided, single submitter. Criteria: Invitae Variant Classification Sherloc (09022015). Collection method: clinical testing. Allele origin: germline.

Ambry Genetics
Classification: Likely benign. Last evaluated: 2019-07-11. Review status: criteria provided, single submitter. Criteria: Ambry Variant Classification Scheme 2023. Collection method: clinical testing. Allele origin: germline.

GeneDx
Classification: Likely benign. Last evaluated: 2016-08-27. Review status: criteria provided, single submitter. Criteria: GeneDx Variant Classification (06012015). Collection method: clinical testing. Allele origin: germline. Affected: yes.
Comment: This variant is considered likely benign or benign based on one or more of the following criteria: it is a conservative change, it occurs at a poorly conserved position in the protein, it is predicted to be benign by multiple in silico algorithms, and/or has population frequency not consistent with disease.

NM_004990.4(MARS1):c.2421T>C (p.Asn807=)

Gene: MARS1 (methionyl-tRNA synthetase 1; plus strand). Cytogenetic location: 12q13.3.
Variant type: single nucleotide variant.
Coding change: c.2421T>C on transcript NM_004990.4 (MANE Select); coding-DNA position 2421, T replaced by C.
Protein change: p.Asn807=; no amino-acid change (asparagine 807 retained).
Molecular consequence: synonymous variant.
Genome position (GRCh38, 1-based): chr12:57,515,949, T>C. VCF-style: chr12-57515949-T-C. GRCh37 (hg19) VCF-style: chr12-57909732-T-C.
Identifiers: ClinVar variation 388643 (VCV000388643.10), dbSNP rs1057523185, ClinGen allele CA16607389.
Genomic context (GRCh38, chr12:57,515,949, plus strand): 5'-AGTAGATGATTCTGGAACTCTTTTTTTACAGGTCAGTCCCTTGTTCCAAAAATTGGAAAA[T>C]GACCAGATTGAAAGTTTAAGGCAGCGCTTTGGAGGGGGCCAGGTGAGAAAGCTAAAGGCT-3'
Protein context (NP_004981.2, residues 797-817): TVSPLFQKLE[Asn807=]DQIESLRQRF